The following is an entry in ClinVar:

ClinVar aggregate classification (germline): Conflicting classifications of pathogenicity. Review status: criteria provided, conflicting classifications (1 of 4 stars). 3 submissions from 3 submitters: Likely pathogenic (2); Uncertain significance (1). Last evaluated 2025-07-09.

Conditions:
Fanconi anemia complementation group O. Also called: RAD51C-Related Fanconi Anemia. Identifiers: Orphanet 84, MedGen C3150653, MONDO:0013248, OMIM 613390.
Breast-ovarian cancer, familial, susceptibility to, 3. Also called: RAD51C-Related Breast/Ovarian Cancer. Identifiers: Orphanet 145, MedGen C3150659, MONDO:0013253, OMIM 613399.
Hereditary cancer-predisposing syndrome. Also called: Hereditary Cancer Syndrome; Hereditary neoplastic syndrome; Neoplastic Syndromes, Hereditary; Tumor predisposition. Identifiers: Orphanet 140162, MedGen C0027672, MeSH D009386, MONDO:0015356.

Submissions (3):

Ambry Genetics
Classification: Likely pathogenic for Hereditary cancer-predisposing syndrome. Last evaluated: 2025-07-09. Review status: criteria provided, single submitter. Criteria: Ambry Variant Classification Scheme 2023. Collection method: clinical testing. Allele origin: germline.
Comment: The p.G130R variant (also known as c.388G>C), located in coding exon 2 of the RAD51C gene, results from a G to C substitution at nucleotide position 388. The glycine at codon 130 is replaced by arginine, an amino acid with dissimilar properties. In multiple assays testing RAD51C function, this variant showed functionally abnormal results (Hu C et al. Cancer Res, 2023 Aug;83:2557-2571; Olvera-Le&oacute;n R et al. Cell, 2024 Oct;187:5719-5734.e19). This amino acid position is highly conserved in available vertebrate species. In addition, this alteration is predicted to be deleterious by in silico analysis. This variant is considered to be rare based on population cohorts in the Genome Aggregation Database (gnomAD). Based on the majority of available evidence to date, this variant is likely to be pathogenic.

Myriad Genetics, Inc.
Classification: Likely pathogenic for Breast-ovarian cancer, familial, susceptibility to, 3. Last evaluated: 2024-02-09. Review status: criteria provided, single submitter. Criteria: Myriad Autosomal Dominant, Autosomal Recessive and X-Linked Classification Criteria (2023). Collection method: clinical testing. Allele origin: unknown.
Comment: This variant is considered likely pathogenic. Functional studies indicate this variant impacts protein function [PMID: 37253112]. This variant is expected to disrupt protein structure [Myriad internal data].

Labcorp Genetics (formerly Invitae), Labcorp
Classification: Uncertain significance for Fanconi anemia complementation group O. Last evaluated: 2022-11-05. Review status: criteria provided, single submitter. Criteria: Invitae Variant Classification Sherloc (09022015). Collection method: clinical testing. Allele origin: germline.
Comment: In summary, the available evidence is currently insufficient to determine the role of this variant in disease. Therefore, it has been classified as a Variant of Uncertain Significance. Advanced modeling of protein sequence and biophysical properties (such as structural, functional, and spatial information, amino acid conservation, physicochemical variation, residue mobility, and thermodynamic stability) performed at Invitae indicates that this missense variant is expected to disrupt RAD51C protein function. This variant has not been reported in the literature in individuals affected with RAD51C-related conditions. This variant is not present in population databases (gnomAD no frequency). This sequence change replaces glycine, which is neutral and non-polar, with arginine, which is basic and polar, at codon 130 of the RAD51C protein (p.Gly130Arg).

Literature cited by the submitters: PubMed 37253112 (cited by Ambry Genetics and Myriad Genetics, Inc.); PubMed 39299233 (cited by Ambry Genetics).

NM_058216.3(RAD51C):c.388G>C (p.Gly130Arg)

Gene: RAD51C (RAD51 paralog C; plus strand). Cytogenetic location: 17q22.
Variant type: single nucleotide variant.
Coding change: c.388G>C on transcript NM_058216.3 (MANE Select); coding-DNA position 388, G replaced by C.
Protein change: p.Gly130Arg; replaces glycine 130 with arginine.
Molecular consequence: missense variant. On other transcripts: non-coding transcript variant (2).
Genome position (GRCh38, 1-based): chr17:58,695,173, G>C. VCF-style: chr17-58695173-G-C. GRCh37 (hg19) VCF-style: chr17-56772534-G-C.
Other names: c.388G>C, p.Gly130Arg (NM_002876.4, NM_058217.1); short protein forms G130R.
Identifiers: ClinVar variation 2812228 (VCV002812228.5), dbSNP rs773293999, ClinGen allele CA400341950.